The following is an entry in ClinVar:

NM_005559.4(LAMA1):c.9181G>A (p.Glu3061Lys)

Gene: LAMA1 (laminin subunit alpha 1; minus strand). Cytogenetic location: 18p11.31.
Variant type: single nucleotide variant.
Coding change: c.9181G>A on transcript NM_005559.4 (MANE Select); coding-DNA position 9181, G replaced by A.
Protein change: p.Glu3061Lys; replaces glutamic acid 3061 with lysine.
Molecular consequence: missense variant.
Genome position (GRCh38, 1-based): chr18:6,942,126, C>T on the plus strand (G>A on the coding strand, the complement: LAMA1 is on the minus strand). VCF-style: chr18-6942126-C-T. GRCh37 (hg19) VCF-style: chr18-6942125-C-T.
Other names: c.9181G>A (NM_005559.3); short protein forms E3061K.
Identifiers: ClinVar variation 1369618 (VCV001369618.9), dbSNP rs746161956, ClinGen allele CA8880229.

ClinVar aggregate classification (germline): Uncertain significance. Review status: criteria provided, multiple submitters, no conflicts (2 of 4 stars). 2 submissions from 2 submitters: Uncertain significance (2). Last evaluated 2025-06-30.

Conditions:
Inborn genetic diseases. Identifiers: MedGen C0950123, MeSH D030342.

Allele frequency attached by ClinVar (database versions not stated): TOPMed 0.00001; ExAC 0.00002; gnomAD 0.00002; gnomAD exomes 0.00002.
gnomAD v4.1: 16 of 1,614,032 alleles (0.00099%); highest among the groups gnomAD compares: South Asian, 0.015%; no homozygotes.

Submissions (2):

Labcorp Genetics (formerly Invitae), Labcorp
Classification: Uncertain significance. Last evaluated: 2025-06-30. Review status: criteria provided, single submitter. Criteria: Invitae Variant Classification Sherloc (09022015). Collection method: clinical testing. Allele origin: germline.
Comment: This sequence change replaces glutamic acid, which is acidic and polar, with lysine, which is basic and polar, at codon 3061 of the LAMA1 protein (p.Glu3061Lys). This variant is present in population databases (rs746161956, gnomAD 0.02%). This variant has not been reported in the literature in individuals affected with LAMA1-related conditions. ClinVar contains an entry for this variant (Variation ID: 1369618). Invitae Evidence Modeling of protein sequence and biophysical properties (such as structural, functional, and spatial information, amino acid conservation, physicochemical variation, residue mobility, and thermodynamic stability) indicates that this missense variant is not expected to disrupt LAMA1 protein function with a negative predictive value of 80%. In summary, the available evidence is currently insufficient to determine the role of this variant in disease. Therefore, it has been classified as a Variant of Uncertain Significance.

Ambry Genetics
Classification: Uncertain significance for Inborn genetic diseases. Last evaluated: 2025-03-27. Review status: criteria provided, single submitter. Criteria: Ambry Variant Classification Scheme 2023. Collection method: clinical testing. Allele origin: germline.